The following is an entry in ClinVar:

NM_022168.4(IFIH1):c.1641+3A>G

Gene: IFIH1 (interferon induced with helicase C domain 1; minus strand). Cytogenetic location: 2q24.2.
Variant type: single nucleotide variant.
Coding change: c.1641+3A>G on transcript NM_022168.4 (MANE Select); 3 bases into the intron after coding-DNA position 1641, A replaced by G.
Molecular consequence: intron variant.
Genome position (GRCh38, 1-based): chr2:162,279,993, T>C on the plus strand (A>G on the coding strand, the complement: IFIH1 is on the minus strand). VCF-style: chr2-162279993-T-C. GRCh37 (hg19) VCF-style: chr2-163136503-T-C.
Identifiers: ClinVar variation 1983292 (VCV001983292.4), dbSNP rs1275800656, ClinGen allele CA537103548.

ClinVar aggregate classification (germline): Uncertain significance (1 of 4 stars; one submission).

Conditions:
Singleton-Merten syndrome 1 (SGMRT1). Also called: Widened medullary cavities of bone, aortic calcification, abnormal dentition, and muscular weakness; Syndrome of widened medullary cavities of the metacarpals and phalanges, aortic calcification and abnormal dentition. Identifiers: Orphanet 85191, MedGen C4225427, MONDO:0024535, OMIM 182250.
Aicardi-Goutieres syndrome 7 (AGS7). Identifiers: Orphanet 51, MedGen C3888244, MONDO:0014367, OMIM 615846.

Allele frequency attached by ClinVar (database versions not stated): gnomAD exomes below 0.00001; TOPMed below 0.00001.
gnomAD v4.1: 2 of 1,490,522 alleles (0.00013%); highest among the groups gnomAD compares: African/African-American, 0.0014%; no homozygotes.

Submission:

Labcorp Genetics (formerly Invitae), Labcorp
Classification: Uncertain significance for Aicardi-Goutieres syndrome 7; Singleton-Merten syndrome 1. Last evaluated: 2022-05-25. Review status: criteria provided, single submitter. Criteria: Invitae Variant Classification Sherloc (09022015). Collection method: clinical testing. Allele origin: germline.
Comment: In summary, the available evidence is currently insufficient to determine the role of this variant in disease. Therefore, it has been classified as a Variant of Uncertain Significance. Variants that disrupt the consensus splice site are a relatively common cause of aberrant splicing (PMID: 17576681, 9536098). Algorithms developed to predict the effect of sequence changes on RNA splicing suggest that this variant may create or strengthen a splice site. This variant has not been reported in the literature in individuals affected with IFIH1-related conditions. This variant is present in population databases (no rsID available, gnomAD 0.007%). This sequence change falls in intron 8 of the IFIH1 gene. It does not directly change the encoded amino acid sequence of the IFIH1 protein. It affects a nucleotide within the consensus splice site.

Literature cited by the submitters: PubMed 17576681; PubMed 9536098.